The following is an entry in ClinVar:

NM_000132.4(F8):c.671-1G>A

Gene: F8 (coagulation factor VIII; minus strand). Cytogenetic location: Xq28.
Variant type: single nucleotide variant.
Coding change: c.671-1G>A on transcript NM_000132.4 (MANE Select); the canonical splice acceptor site of the intron before coding-DNA position 671, G replaced by A.
Molecular consequence: splice acceptor variant.
Genome position (GRCh38, 1-based): chrX:154,984,804, C>T on the plus strand (G>A on the coding strand, the complement: F8 is on the minus strand). VCF-style: chrX-154984804-C-T. GRCh37 (hg19) VCF-style: chrX-154213079-C-T.
Other names: NC_000023.10:g.154213079C>T.
Identifiers: ClinVar variation 1698780 (VCV001698780.3), dbSNP rs1255271151, ClinGen allele CA414919183.

ClinVar aggregate classification (germline): Pathogenic (1 of 4 stars; one submission).

Conditions:
Hereditary factor VIII deficiency disease (HEMA). Also called: HEMOPHILIA, CLASSIC; AUTOSOMAL HEMOPHILIA A; Hemophilia A; Hemophilia A, congenital; HEM A; Factor 8 deficiency, congenital. Identifiers: Orphanet 98878, MedGen C0019069, MONDO:0010602, OMIM 306700.

Allele frequency attached by ClinVar (database versions not stated): TOPMed 0.00001.

Submissions (2):

Genetics and Molecular Pathology, SA Pathology
Classification: Pathogenic for Hereditary factor VIII deficiency disease. Last evaluated: 2020-11-25. Review status: criteria provided, single submitter. Criteria: ACMG Guidelines, 2015. Collection method: clinical testing. Allele origin: germline. Inheritance: X-linked recessive inheritance. Affected: yes.
Comment: PVS1, PM2, PP4

Dr. Peter K. Rogan Lab, Western University
No classification provided (evidence only). Condition: Thyroid cancer, nonmedullary, 1. Review status: no classification provided. Collection method: in vitro. Allele origin: not applicable. Functional consequence: retained intron. Not counted in ClinVar's aggregate classification.